The following is an entry in ClinVar:

ClinVar aggregate classification (germline): Likely benign (1 of 4 stars; one submission).

Allele frequency attached by ClinVar (database versions not stated): gnomAD exomes 0.00108; ExAC 0.00113; 1000 Genomes Project 0.00140; 1000 Genomes Project 30x 0.00203; gnomAD 0.00279; ESP Exome Variant Server 0.00283.
gnomAD v4.1: 1,883 of 1,528,980 alleles (0.12%); highest among the groups gnomAD compares: African/African-American, 0.81%; 98 homozygotes.

Submission:

CeGaT Center for Human Genetics Tuebingen
Classification: Likely benign. Last evaluated: 2023-03-01. Review status: criteria provided, single submitter. Criteria: CeGaT Center For Human Genetics Tuebingen Variant Classification Criteria Version 2. Collection method: clinical testing. Allele origin: germline. Affected: yes. Observed: 1 variant allele.
Comment: USP17L2: BS2

NM_201402.3(USP17L2):c.1498G>A (p.Val500Met)

Genes: FAM66D (family with sequence similarity 66 member D), USP17L2 (ubiquitin specific peptidase 17 like family member 2; minus strand). Cytogenetic location: 8p23.1.
Variant type: single nucleotide variant.
Coding change: c.1498G>A on transcript NM_201402.3 (MANE Select); coding-DNA position 1498, G replaced by A.
Protein change: p.Val500Met; replaces valine 500 with methionine.
Molecular consequence: missense variant.
Genome position (GRCh38, 1-based): chr8:12,137,263, C>T on the plus strand (G>A on the coding strand, the complement: USP17L2 is on the minus strand). VCF-style: chr8-12137263-C-T. GRCh37 (hg19) VCF-style: chr8-11994772-C-T.
Other names: short protein forms V500M.
Identifiers: ClinVar variation 2658423 (VCV002658423.24), dbSNP rs199889083, ClinGen allele CA4634768.